The following is an entry in ClinVar:

NM_024596.5(MCPH1):c.2440A>T (p.Lys814Ter)

Genes: MCPH1 (microcephalin 1; plus strand), MCPH1-AS1 (MCPH1 antisense RNA 1; minus strand). Cytogenetic location: 8p23.1.
Variant type: single nucleotide variant.
Coding change: c.2440A>T on transcript NM_024596.5 (MANE Select); coding-DNA position 2440, A replaced by T.
Protein change: p.Lys814Ter; replaces lysine 814 with a stop codon.
Molecular consequence: nonsense.
Genome position (GRCh38, 1-based): chr8:6,621,679, A>T. VCF-style: chr8-6621679-A-T. GRCh37 (hg19) VCF-style: chr8-6479200-A-T.
Other names: c.2440A>T, p.Lys814Ter (NM_001322042.2, NM_001363979.1, NM_001410917.1); c.2161A>T, p.Lys721Ter (NM_001363980.2); short protein forms K721*, K814*.
Identifiers: ClinVar variation 3373475 (VCV003373475.1).
Genomic context (GRCh38, chr8:6,621,679, plus strand): 5'-AGCATCGTCATCGGGCCCTACAGCGGAAAGAAGAAAGCCACAGTCAAGTATCTGTCTGAG[A>T]AATGGGTCTTAGGTAAGAATCCAGGCACACAGACGCTGTGGTGTGGTCCAGATCTGTGGA-3'

ClinVar aggregate classification (germline): Uncertain significance (1 of 4 stars; one submission).

Submission:

GeneDx
Classification: Uncertain significance. Last evaluated: 2024-03-12. Review status: criteria provided, single submitter. Criteria: GeneDx Variant Classification Process June 2021. Collection method: clinical testing. Allele origin: germline. Affected: yes.
Comment: Not observed at significant frequency in large population cohorts (gnomAD); Nonsense variant predicted to result in protein truncation as the last 22 amino acids are lost, although loss-of-function variants have not been reported downstream of this position in the protein; Has not been previously published as pathogenic or benign to our knowledge